The following is an entry in ClinVar:

NM_020631.6(PLEKHG5):c.2331C>T (p.Ser777=)

Gene: PLEKHG5 (pleckstrin homology and RhoGEF domain containing G5; minus strand). Cytogenetic location: 1p36.31.
Variant type: single nucleotide variant.
Coding change: c.2331C>T on transcript NM_020631.6 (MANE Select); coding-DNA position 2331, C replaced by T.
Protein change: p.Ser777=; no amino-acid change (serine 777 retained).
Molecular consequence: synonymous variant.
Genome position (GRCh38, 1-based): chr1:6,468,505, G>A on the plus strand (C>T on the coding strand, the complement: PLEKHG5 is on the minus strand). VCF-style: chr1-6468505-G-A. GRCh37 (hg19) VCF-style: chr1-6528565-G-A.
Other names: p.Ser777=; c.2442C>T, p.Ser814= (NM_001042663.3, NM_001265592.2); c.2331C>T, p.Ser777= (NM_001042664.2, NM_001042665.2, NM_001265594.3 and 1 more transcripts); c.2538C>T, p.Ser846= (NM_001265593.2); c.2331C>T (NM_020631.5).
Identifiers: ClinVar variation 297946 (VCV000297946.59), dbSNP rs61749272, ClinGen allele CA561183.

ClinVar aggregate classification (germline): Benign. Review status: criteria provided, multiple submitters, no conflicts (2 of 4 stars). 7 submissions from 7 submitters: Benign (7). Last evaluated 2026-10-01.

Conditions:
Charcot-Marie-Tooth disease recessive intermediate C. Also called: CHARCOT-MARIE-TOOTH NEUROPATHY, RECESSIVE INTERMEDIATE C. Identifiers: Orphanet 369867, MedGen C3809309, MONDO:0014154, OMIM 615376.
Neuronopathy, distal hereditary motor, autosomal recessive 4. Also called: NEUROPATHY, DISTAL HEREDITARY MOTOR, AUTOSOMAL RECESSIVE 4; Autosomal recessive lower motor neuron disease with childhood onset. Identifiers: Orphanet 206580, MedGen C1970211, MONDO:0012608, OMIM 611067.

Allele frequency attached by ClinVar (database versions not stated): 1000 Genomes Project 30x 0.00234; 1000 Genomes Project 0.00240; TOPMed 0.00767; gnomAD 0.00917 and 0.00952; ExAC 0.00972; ESP Exome Variant Server 0.01046.
gnomAD v4.1: 19,599 of 1,612,882 alleles (1.2%); highest among the groups gnomAD compares: Non-Finnish European, 1.5%; 171 homozygotes.

Submissions (7):

CeGaT Center for Human Genetics Tuebingen
Classification: Benign. Last evaluated: 2026-10-01. Review status: criteria provided, single submitter. Criteria: CeGaT Center For Human Genetics Tuebingen Variant Classification Criteria Version 2. Collection method: clinical testing. Allele origin: germline. Affected: yes. Observed: 57 variant alleles.
Comment: PLEKHG5: BP4, BP7, BS1, BS2

Labcorp Genetics (formerly Invitae), Labcorp
Classification: Benign for Neuronopathy, distal hereditary motor, autosomal recessive 4; Charcot-Marie-Tooth disease recessive intermediate C. Last evaluated: 2026-02-04. Review status: criteria provided, single submitter. Criteria: Invitae Variant Classification Sherloc (09022015). Collection method: clinical testing. Allele origin: germline.

ARUP Laboratories, Molecular Genetics and Genomics, ARUP Laboratories
Classification: Benign. Last evaluated: 2024-10-02. Review status: criteria provided, single submitter. Criteria: ARUP Molecular Germline Variant Investigation Process 2024. Collection method: clinical testing. Allele origin: germline.

Illumina Laboratory Services, Illumina
Classification: Benign for Neuronopathy, distal hereditary motor, autosomal recessive 4. Last evaluated: 2018-01-12. Review status: criteria provided, single submitter. Criteria: ICSL Variant Classification Criteria 13 December 2019. Collection method: clinical testing. Allele origin: germline.
Comment: This variant was observed in the ICSL laboratory as part of a predisposition screen in an ostensibly healthy population. It had not been previously curated by ICSL or reported in the Human Gene Mutation Database (HGMD: prior to June 1st, 2018), and was therefore a candidate for classification through an automated scoring system. Utilizing variant allele frequency, disease prevalence and penetrance estimates, and inheritance mode, an automated score was calculated to assess if this variant is too frequent to cause the disease. Based on the score and internal cut-off values, a variant classified as benign is not then subjected to further curation. The score for this variant resulted in a classification of benign for this disease.

Mayo Clinic Laboratories, Mayo Clinic
Classification: Benign. Last evaluated: 2016-04-14. Review status: criteria provided, single submitter. Criteria: ACMG Guidelines, 2015. Collection method: clinical testing. Allele origin: germline. Observed: 52 variant alleles.

GeneDx
Classification: Benign. Last evaluated: 2015-03-03. Review status: criteria provided, single submitter. Criteria: GeneDx Variant Classification Process June 2021. Collection method: clinical testing. Allele origin: germline. Affected: yes.

Breakthrough Genomics
Classification: Benign. Review status: criteria provided, single submitter. Criteria: ACMG Guidelines, 2015. Collection method: not provided. Allele origin: germline. Inheritance: Autosomal recessive inheritance. Affected: yes.